The following is an entry in ClinVar:

NM_014669.5(NUP93):c.1194C>T (p.Asp398=)

Gene: NUP93 (nucleoporin 93; plus strand). Cytogenetic location: 16q13.
Variant type: single nucleotide variant.
Coding change: c.1194C>T on transcript NM_014669.5 (MANE Select); coding-DNA position 1194, C replaced by T.
Protein change: p.Asp398=; no amino-acid change (aspartic acid 398 retained).
Molecular consequence: synonymous variant.
Genome position (GRCh38, 1-based): chr16:56,831,950, C>T. VCF-style: chr16-56831950-C-T. GRCh37 (hg19) VCF-style: chr16-56865862-C-T.
Other names: c.825C>T, p.Asp275= (NM_001242795.2, NM_001242796.2).
Identifiers: ClinVar variation 3029163 (VCV003029163.2), dbSNP rs762391783, ClinGen allele CA8068340.
Genomic context (GRCh38, chr16:56,831,950, plus strand): 5'-CCTCAGGAACAATACAGATCCCTACAAGCGGGCCGTGTACTGTATCATTGGCAGATGTGA[C>T]GTCACCGACAACCAGAGTGAAGTGGCGGACAAAACTGAGGATTACCTGTGGCTGAAGGTA-3'
Protein context (NP_055484.3, residues 388-408): RAVYCIIGRC[Asp398=]VTDNQSEVAD

ClinVar aggregate classification (germline): Likely benign (0 of 4 stars; one submission).

Conditions:
NUP93-related disorder. Also called: NUP93-related condition.

Allele frequency attached by ClinVar (database versions not stated): ExAC 0.00001; gnomAD 0.00001; TOPMed 0.00001; gnomAD exomes 0.00002.
gnomAD v4.1: 26 of 1,613,972 alleles (0.0016%); highest among the groups gnomAD compares: Middle Eastern, 0.016%; no homozygotes.

Submission:

PreventionGenetics, part of Exact Sciences
Classification: Likely benign for NUP93-related condition. Last evaluated: 2022-01-03. Review status: no assertion criteria provided. Collection method: clinical testing. Allele origin: germline.
Comment: This variant is classified as likely benign based on ACMG/AMP sequence variant interpretation guidelines (Richards et al. 2015 PMID: 25741868, with internal and published modifications).